The following is an entry in ClinVar:

NM_152383.5(DIS3L2):c.2213A>G (p.His738Arg)

Gene: DIS3L2 (DIS3 like 3'-5' exoribonuclease 2; plus strand). Cytogenetic location: 2q37.1.
Variant type: single nucleotide variant.
Coding change: c.2213A>G on transcript NM_152383.5 (MANE Select); coding-DNA position 2213, A replaced by G.
Protein change: p.His738Arg; replaces histidine 738 with arginine.
Molecular consequence: missense variant. On other transcripts: non-coding transcript variant (2), intron variant (1).
Genome position (GRCh38, 1-based): chr2:232,334,423, A>G. VCF-style: chr2-232334423-A-G. GRCh37 (hg19) VCF-style: chr2-233199133-A-G.
Other names: c.1582-8922A>G (NM_001257281.2); short protein forms H738R.
Identifiers: ClinVar variation 1391105 (VCV001391105.6), dbSNP rs2106354279, ClinGen allele CA350977724.
Genomic context (GRCh38, chr2:232,334,423, plus strand): 5'-TCCCAGGCTATAGGGAGCGACTAGACATGGCGCCCGATACCCTGCAGAAACAGGCGGACC[A>G]CTGTAACGACCGCCGCATGGCGTCCAAGCGCGTGCAGGAGCTCAGTACCAGTCTCTTCTT-3'
Protein context (NP_689596.4, residues 728-748): APDTLQKQAD[His738Arg]CNDRRMASKR

ClinVar aggregate classification (germline): Uncertain significance (1 of 4 stars; one submission).

Conditions:
Perlman syndrome (PRLMNS). Identifiers: Orphanet 2849, MedGen C0796113, MONDO:0009965, OMIM 267000.

Submission:

Labcorp Genetics (formerly Invitae), Labcorp
Classification: Uncertain significance for Perlman syndrome. Last evaluated: 2021-11-03. Review status: criteria provided, single submitter. Criteria: Invitae Variant Classification Sherloc (09022015). Collection method: clinical testing. Allele origin: germline.
Comment: In summary, the available evidence is currently insufficient to determine the role of this variant in disease. Therefore, it has been classified as a Variant of Uncertain Significance. Algorithms developed to predict the effect of missense changes on protein structure and function (SIFT, PolyPhen-2, Align-GVGD) all suggest that this variant is likely to be tolerated. This variant has not been reported in the literature in individuals affected with DIS3L2-related conditions. This variant is not present in population databases (gnomAD no frequency). This sequence change replaces histidine, which is basic and polar, with arginine, which is basic and polar, at codon 738 of the DIS3L2 protein (p.His738Arg).